The following is an entry in ClinVar:

NM_000199.5(SGSH):c.415A>T (p.Thr139Ser)

Gene: SGSH (N-sulfoglucosamine sulfohydrolase; minus strand). Cytogenetic location: 17q25.3.
Variant type: single nucleotide variant.
Coding change: c.415A>T on transcript NM_000199.5 (MANE Select); coding-DNA position 415, A replaced by T.
Protein change: p.Thr139Ser; replaces threonine 139 with serine.
Molecular consequence: missense variant. On other transcripts: non-coding transcript variant (1).
Genome position (GRCh38, 1-based): chr17:80,214,706, T>A on the plus strand (A>T on the coding strand, the complement: SGSH is on the minus strand). VCF-style: chr17-80214706-T-A. GRCh37 (hg19) VCF-style: chr17-78188505-T-A.
Other names: c.415A>T, p.Thr139Ser (NM_001352921.3, NM_001352922.2); short protein forms T139S.
Identifiers: ClinVar variation 1508366 (VCV001508366.3), dbSNP rs760564328, ClinGen allele CA8818021.

ClinVar aggregate classification (germline): Uncertain significance (1 of 4 stars; one submission).

Conditions:
Mucopolysaccharidosis, MPS-III-A (MPS3A). Also called: HEPARAN SULFATE SULFATASE DEFICIENCY; SANFILIPPO SYNDROME A; SULFAMIDASE DEFICIENCY; MPS III A; MPS IIIA (Sanfilippo Syndrome Type A); Mucopolysaccharidosis type IIIA (Sanfilippo A). Identifiers: Orphanet 581, Orphanet 79269, MedGen C0086647, MONDO:0009655, OMIM 252900.

Allele frequency attached by ClinVar (database versions not stated): TOPMed below 0.00001.

Submission:

Labcorp Genetics (formerly Invitae), Labcorp
Classification: Uncertain significance for Mucopolysaccharidosis, MPS-III-A. Last evaluated: 2021-10-09. Review status: criteria provided, single submitter. Criteria: Invitae Variant Classification Sherloc (09022015). Collection method: clinical testing. Allele origin: germline.
Comment: This sequence change replaces threonine with serine at codon 139 of the SGSH protein (p.Thr139Ser). The threonine residue is highly conserved and there is a small physicochemical difference between threonine and serine. This variant is present in population databases (rs760564328, ExAC 0.02%). This variant has not been reported in the literature in individuals affected with SGSH-related conditions. Algorithms developed to predict the effect of missense changes on protein structure and function are either unavailable or do not agree on the potential impact of this missense change (SIFT: "Deleterious"; PolyPhen-2: "Possibly Damaging"; Align-GVGD: "Class C0"). In summary, the available evidence is currently insufficient to determine the role of this variant in disease. Therefore, it has been classified as a Variant of Uncertain Significance.